The following is an entry in ClinVar:

ClinVar aggregate classification (germline): Pathogenic. Review status: no assertion criteria provided (0 of 4 stars). 3 submissions from 3 submitters: Pathogenic (3). Last evaluated 2024-06-06.

Conditions:
Bilateral frontoparietal polymicrogyria. Also called: CEREBELLAR ATAXIA WITH NEURONAL MIGRATION DEFECT; CORTICAL DYSPLASIA, COMPLEX, WITH OTHER BRAIN MALFORMATIONS 14A (BILATERAL FRONTOPARIETAL). Identifiers: Orphanet 101070, MedGen C1847352, MONDO:0011738, OMIM 606854.
Visual impairment. Also called: vision problems; Impaired vision. Identifiers: MedGen C3665347, HP:0000505.
Pachygyria. Also called: Macrogyria. Identifiers: MedGen C0266483, HP:0001302.
Generalized-onset seizure. Also called: Generalized seizures. Identifiers: MedGen C0234533, HP:0002197.
Moderate intellectual disability. Also called: Moderate ID; Moderae intellectual disability. Identifiers: MedGen C0026351, HP:0002342.
Generalized weakness of limb muscles. Identifiers: MedGen C4024605, HP:0009028.
Strabismus. Identifiers: MedGen C0038379, MONDO:0003432, HP:0000486.
Global developmental delay (DD). Also called: Cognitive delay. Identifiers: MedGen C0557874, HP:0001263. Disease mechanism: loss of function.

Submissions (3):

OMIM
Classification: Pathogenic for CORTICAL DYSPLASIA, COMPLEX, WITH OTHER BRAIN MALFORMATIONS 14A (BILATERAL FRONTOPARIETAL). Last evaluated: 2024-06-06. Review status: no assertion criteria provided. Collection method: literature only. Allele origin: germline.

Human Molecular Genetics and Metabolic Disorders, Pakistan Institute for Engineering and Applied Science (PIEAS)
Classification: Pathogenic for Pachygyria; Moderate intellectual disability; Generalized-onset seizure; Strabismus; Visual impairment; Generalized weakness of limb muscles; Global developmental delay. Last evaluated: 2017-04-30. Review status: no assertion criteria provided. Collection method: research. Allele origin: germline. Inheritance: Autosomal recessive inheritance. Affected: yes and no. Observed: 9 variant alleles, 5 heterozygotes, 4 homozygotes.

Hong-Tao Li Lab, Institute of Brain Science and Brain-inspired Research, Shandong First Medical University & Shandong Academy of Medical Sciences China
Classification: Pathogenic for Bilateral frontoparietal polymicrogyria. Review status: no assertion criteria provided. Collection method: research. Allele origin: germline. Inheritance: Autosomal recessive inheritance. Affected: yes. Observed: 1 variant allele, 1 homozygote.
Comment: Observed in affected individuals from a Pakistani neurodevelopmental-disorder research cohort of 263 individuals. Classification assigned using the ACMG/AMP framework.

Literature cited by the submitters: PubMed 34863467 (cited by OMIM).

NM_201525.4(ADGRG1):c.1583dup (p.Ala529fs)

Gene: ADGRG1 (adhesion G protein-coupled receptor G1; plus strand). Cytogenetic location: 16q21.
Variant type: Duplication.
Coding change: c.1583dup on transcript NM_201525.4 (MANE Select); coding-DNA position 1583, one base duplicated (T; older notation c.1583dupT).
Protein change: p.Ala529fs; shifts the reading frame from alanine 529.
Molecular consequence: frameshift variant.
Genome position (GRCh38, 1-based): chr16:57,660,795, T duplicated. VCF-style (leftmost placement, unchanged base first): chr16-57660794-G-GT. GRCh37 (hg19) VCF-style: chr16-57694706-G-GT.
Other names: c.1583dup, p.Ala529fs (NM_001145770.3, NM_001145772.3, NM_001145774.3 and 7 more transcripts); c.1601dup, p.Ala535fs (NM_001145771.3, NM_001370428.1, NM_001370429.1 and 4 more transcripts); c.1598dup, p.Ala534fs (NM_001145773.3, NM_001370433.1, NM_001370434.1); c.1091dup, p.Ala365fs (NM_001290142.2); c.1076dup, p.Ala360fs (NM_001290143.2); c.1058dup, p.Ala354fs (NM_001290144.2, NM_001370451.1, NM_001370453.1 and 1 more transcripts); c.1580dup, p.Ala528fs (NM_001370441.1); c.1427dup, p.Ala477fs (NM_001370442.1); and 1 more; short protein forms A354fs, A360fs, A535fs, A365fs, A528fs, A534fs, A529fs, A477fs.
Identifiers: ClinVar variation 544681 (VCV000544681.6), dbSNP rs1567815105, ClinGen allele CA891843771.